The following is an entry in ClinVar:

NM_012434.5(SLC17A5):c.244G>C (p.Ala82Pro)

Gene: SLC17A5 (solute carrier family 17 member 5; minus strand). Cytogenetic location: 6q13.
Variant type: single nucleotide variant.
Coding change: c.244G>C on transcript NM_012434.5 (MANE Select); coding-DNA position 244, G replaced by C.
Protein change: p.Ala82Pro; replaces alanine 82 with proline.
Molecular consequence: missense variant. On other transcripts: intron variant (2).
Genome position (GRCh38, 1-based): chr6:73,644,454, C>G on the plus strand (G>C on the coding strand, the complement: SLC17A5 is on the minus strand). VCF-style: chr6-73644454-C-G. GRCh37 (hg19) VCF-style: chr6-74354177-C-G.
Other names: c.244G>C (NM_012434.4); c.244G>C, p.Ala82Pro (NM_001382635.1, NM_001382630.1, NM_001382632.1 and 2 more transcripts); c.61-2530G>C (NM_001382636.1, NM_001382629.1); c.265G>C, p.Ala89Pro (NM_001382631.1); short protein forms A82P, A89P.
Identifiers: ClinVar variation 992171 (VCV000992171.3), dbSNP rs199727701, ClinGen allele CA3890583.
Genomic context (GRCh38, chr6:73,644,454, plus strand): 5'-AAATAGCACCTACCGTTTGATTATGATGAACTTTTATGGGAGCAGAATGCTCTGGACACG[C>G]CTTGGAAGTTCTATTATCTTCTAAAGTTGTATTTGAATCTACCATATCCACTAACGCAAC-3'
Protein context (NP_036566.1, residues 72-92): TTLEDNRTSK[Ala82Pro]CPEHSAPIKV

ClinVar aggregate classification (germline): Uncertain significance. Review status: criteria provided, multiple submitters, no conflicts (2 of 4 stars). 3 submissions from 3 submitters: Uncertain significance (2). 1 of the submissions does not count toward it. Last evaluated 2024-03-14.

Conditions:
Sialic acid storage disease, severe infantile type (ISSD). Also called: INFANTILE SIALIC ACID STORAGE DISORDER; N-ACETYLNEURAMINIC ACID STORAGE DISEASE; NANA STORAGE DISEASE; SIALURIA, INFANTILE FORM; Infantile Sialic Acid Storage Disease; Free sialic acid storage disease, infantile form. Identifiers: Orphanet 309324, Orphanet 834, MedGen C1096902, MONDO:0010027, OMIM 269920.
Salla disease (SD). Also called: Sialuria, Finnish type; N-acetylneuraminic acid (NANA) storage disease (NSD); Infantile sialic acid storage disorder (ISSD); Less Severe FSASD (Salla Disease). Identifiers: Orphanet 309334, Orphanet 834, MedGen C1096903, MONDO:0011449, OMIM 604369.
Inborn genetic diseases. Identifiers: MedGen C0950123, MeSH D030342.

Allele frequency attached by ClinVar (database versions not stated): TOPMed 0.00001; 1000 Genomes Project 30x 0.00016; 1000 Genomes Project 0.00020.

Submissions (3):

Fulgent Genetics
Classification: Uncertain significance for Sialic acid storage disease, severe infantile type; Salla disease. Last evaluated: 2024-03-14. Review status: criteria provided, single submitter. Criteria: ACMG Guidelines, 2015. Collection method: clinical testing. Allele origin: germline.

Ambry Genetics
Classification: Uncertain significance for Inborn genetic diseases. Last evaluated: 2024-03-13. Review status: criteria provided, single submitter. Criteria: Ambry Variant Classification Scheme 2023. Collection method: clinical testing. Allele origin: germline.
Comment: The p.A82P variant (also known as c.244G>C), located in coding exon 2 of the SLC17A5 gene, results from a G to C substitution at nucleotide position 244. The alanine at codon 82 is replaced by proline, an amino acid with highly similar properties. This amino acid position is conserved. In addition, this alteration is predicted to be tolerated by in silico analysis. Based on the available evidence, the clinical significance of this alteration remains unclear.

Natera, Inc.
Classification: Uncertain significance for Salla disease. Last evaluated: 2020-08-14. Review status: no assertion criteria provided. Collection method: clinical testing. Allele origin: germline. Not counted in ClinVar's aggregate classification.